The following is an entry in ClinVar:

NM_001039141.3(TRIOBP):c.4461C>G (p.Ser1487Arg)

Gene: TRIOBP (TRIO and F-actin binding protein; plus strand). Cytogenetic location: 22q13.1.
Variant type: single nucleotide variant.
Coding change: c.4461C>G on transcript NM_001039141.3 (MANE Select); coding-DNA position 4461, C replaced by G.
Protein change: p.Ser1487Arg; replaces serine 1487 with arginine.
Molecular consequence: missense variant.
Genome position (GRCh38, 1-based): chr22:37,734,797, C>G. VCF-style: chr22-37734797-C-G. GRCh37 (hg19) VCF-style: chr22-38130804-C-G.
Other names: short protein forms S1487R.
Identifiers: ClinVar variation 4989664 (VCV004989664.1).

ClinVar aggregate classification (germline): Uncertain significance (1 of 4 stars; one submission).

Conditions:
TRIOBP-related disorder. Also called: TRIOBP-related condition.

gnomAD v4.1: 51 of 1,612,184 alleles (0.0032%); highest among the groups gnomAD compares: Non-Finnish European, 0.0042%; no homozygotes.

Submission:

PreventionGenetics, part of Exact Sciences
Classification: Uncertain significance for TRIOBP-related condition. Last evaluated: 2026-09-03. Review status: criteria provided, single submitter. Criteria: ACMG Guidelines, 2015. Collection method: clinical testing. Allele origin: germline.
Comment: The TRIOBP c.4461C>G variant is predicted to result in the amino acid substitution p.Ser1487Arg. To our knowledge, this variant has not been reported in the literature. This variant is reported in 0.0018% of alleles in individuals of European (Non-Finnish) descent in gnomAD. At this time, the clinical significance of this variant is uncertain due to the absence of conclusive functional and genetic evidence.